The following is an entry in ClinVar:

ClinVar aggregate classification (germline): Pathogenic. Review status: reviewed by expert panel (3 of 4 stars). 7 submissions from 7 submitters: Pathogenic (1). 6 of the submissions do not count toward it. Last evaluated 2016-04-22.

Conditions:
Hereditary breast ovarian cancer syndrome. Also called: Hereditary breast and ovarian cancer syndrome; Hereditary breast and ovarian cancer; Hereditary breast and ovarian cancer syndrome (HBOC); Breast and ovarian cancer; Hereditary breast and/or ovarian cancer syndrome; BRCA1- and BRCA2-Associated Hereditary Breast and Ovarian Cancer. Identifiers: Orphanet 145, MedGen C0677776, MeSH D061325, MONDO:0003582. Disease mechanism: loss of function.
Hereditary cancer-predisposing syndrome. Also called: Neoplastic Syndromes, Hereditary; Tumor predisposition; Hereditary neoplastic syndrome; Hereditary Cancer Syndrome. Identifiers: Orphanet 140162, MedGen C0027672, MeSH D009386, MONDO:0015356.
Breast-ovarian cancer, familial, susceptibility to, 2 (BROVCA2). Also called: BRCA2 Hereditary Breast and Ovarian Cancer. Identifiers: Orphanet 145, MedGen C2675520, MONDO:0012933, OMIM 612555. Disease mechanism: loss of function.

Submissions (7):

Evidence-based Network for the Interpretation of Germline Mutant Alleles (ENIGMA)
Classification: Pathogenic for Breast-ovarian cancer, familial, susceptibility to, 2. Last evaluated: 2016-04-22. Review status: reviewed by expert panel. Criteria: ENIGMA BRCA1/2 Classification Criteria (2015). Collection method: curation. Allele origin: germline.
Comment: Variant allele predicted to encode a truncated non-functional protein.

Labcorp Genetics (formerly Invitae), Labcorp
Classification: Pathogenic for Hereditary breast ovarian cancer syndrome. Last evaluated: 2025-10-09. Review status: criteria provided, single submitter. Criteria: Invitae Variant Classification Sherloc (09022015). Collection method: clinical testing. Allele origin: germline. Not counted in ClinVar's aggregate classification.
Comment: This sequence change creates a premature translational stop signal (p.Tyr1714Cysfs*10) in the BRCA2 gene. It is expected to result in an absent or disrupted protein product. Loss-of-function variants in BRCA2 are known to be pathogenic (PMID: 20104584). This variant is not present in population databases (gnomAD no frequency). This premature translational stop signal has been observed in individual(s) with personal and/or family history of BRCA2-related conditions (PMID: 19288190, 29566657). ClinVar contains an entry for this variant (Variation ID: 51778). For these reasons, this variant has been classified as Pathogenic.

Ambry Genetics
Classification: Pathogenic for Hereditary cancer-predisposing syndrome. Last evaluated: 2022-11-17. Review status: criteria provided, single submitter. Criteria: Ambry Variant Classification Scheme 2023. Collection method: clinical testing. Allele origin: germline. Not counted in ClinVar's aggregate classification.
Comment: The c.5141_5144delATTT pathogenic mutation, located in coding exon 10 of the BRCA2 gene, results from a deletion of 4 nucleotides at nucleotide positions 5141 to 5144, causing a translational frameshift with a predicted alternate stop codon (p.Y1714Cfs*10). This alteration has been identified in multiple families with hereditary breast and/or ovarian cancer syndrome (Salgado J et al. Breast Cancer Res Treat, 2010 May;121:219-20; Wang YA et al. BMC Cancer, 2018 03;18:315; Nones K et al. Ann Oncol, 2019 07;30:1071-1079). Of note, this alteration is also known as 5369delATTT in published literature. This variant is considered to be rare based on population cohorts in the Genome Aggregation Database (gnomAD). In addition to the clinical data presented in the literature, this alteration is expected to result in loss of function by premature protein truncation or nonsense-mediated mRNA decay. As such, this alteration is interpreted as a disease-causing mutation.

Color Diagnostics, LLC DBA Color Health
Classification: Pathogenic for Hereditary cancer-predisposing syndrome. Last evaluated: 2022-02-24. Review status: criteria provided, single submitter. Criteria: ACMG Guidelines, 2015. Collection method: clinical testing. Allele origin: germline. Not counted in ClinVar's aggregate classification.
Comment: This variant deletes 4 nucleotides in exon 11 of the BRCA2 gene, creating a frameshift and premature translation stop signal. This variant is expected to result in an absent or non-functional protein product. This variant has been reported in at least 5 individuals affected with breast or ovarian cancer (PMID: 15944772, 19288190, 22460208, 25863477, 29566657,: 10.1007/s40944-020-00451-2) and has been identified in 7 families among the CIMBA participants (PMID: 29446198). In a large breast cancer case-control study conducted by the BRIDGES consortium, this variant was reported in 1/60466 cases and 1/53461 controls (OR=0.884, 95%CI 0.055 to 14.136; p-value=1) (PMID: 33471991; Leiden Open Variation Database DB-ID BRCA2_001803). This variant has not been identified in the general population by the Genome Aggregation Database (gnomAD). Loss of BRCA2 function is a known mechanism of disease. Based on the available evidence, this variant is classified as Pathogenic.

GeneDx
Classification: Pathogenic. Last evaluated: 2015-11-12. Review status: criteria provided, single submitter. Criteria: GeneDx Variant Classification (06012015). Collection method: clinical testing. Allele origin: germline. Affected: yes. Not counted in ClinVar's aggregate classification.
Comment: This deletion of 4 nucleotides in BRCA2 is denoted c.5141_5144delATTT at the cDNA level and p.Tyr1714CysfsX10(Y1714CfsX10) at the protein level. The normal sequence, with the bases that are deleted in braces, is AATT[ATTT]GTAT. The deletion causes a frameshift, which changes a Tyrosine to a Cysteine at codon 1714, and creates a premature stop codon at position 10 of the new reading frame. This variant is predicted to cause loss of normal protein function through either protein truncation or nonsense-mediated mRNA decay. BRCA2 c.5141_5144delATTT, also published as 5369delATTT and 5369del4, has been observed in multiple individuals with Hereditary Breast and Ovarian Cancer (Beristain 2010, Salgado 2010, Kang 2015). We consider this variant to be pathogenic.

Consortium of Investigators of Modifiers of BRCA1/2 (CIMBA), c/o University of Cambridge
Classification: Pathogenic for Breast-ovarian cancer, familial, susceptibility to, 2. Last evaluated: 2015-10-02. Review status: criteria provided, single submitter. Criteria: CIMBA Mutation Classification guidelines May 2016. Collection method: clinical testing. Allele origin: germline. Not counted in ClinVar's aggregate classification.

Breast Cancer Information Core (BIC) (BRCA2)
Classification: Pathogenic for Breast-ovarian cancer, familial 2. Last evaluated: 2004-02-19. Review status: no assertion criteria provided. Collection method: clinical testing. Allele origin: germline. Affected: yes. Observed: 4 variant alleles. Not counted in ClinVar's aggregate classification.

Literature cited by the submitters: PubMed 20104584 (cited by Labcorp Genetics (formerly Invitae), Labcorp); PubMed 19288190 (cited by 4 submitters); PubMed 29566657 (cited by 3 submitters); PubMed 31090900 (cited by Ambry Genetics); PubMed 15944772 (cited by Color Diagnostics, LLC DBA Color Health); PubMed 22460208 (cited by Color Diagnostics, LLC DBA Color Health); PubMed 25863477 (cited by Color Diagnostics, LLC DBA Color Health); PubMed 29446198 (cited by Color Diagnostics, LLC DBA Color Health); PubMed 33471991 (cited by Color Diagnostics, LLC DBA Color Health).

NM_000059.4(BRCA2):c.5141_5144del (p.Tyr1714fs)

Gene: BRCA2 (BRCA2 DNA repair associated; plus strand). Cytogenetic location: 13q13.1.
Variant type: Deletion.
Coding change: c.5141_5144del on transcript NM_000059.4 (MANE Select); coding-DNA positions 5141 to 5144, 4 bases deleted (ATTT; older notation c.5141_5144delATTT).
Protein change: p.Tyr1714fs; shifts the reading frame from tyrosine 1714.
Molecular consequence: frameshift variant.
Genome position (GRCh38, 1-based): chr13:32,339,496-32,339,499, ATTT deleted; deleting any 4 consecutive bases within chr13:32,339,494-32,339,499 gives the same sequence; the c. name uses the placement nearest the transcript's 3' end. VCF-style (leftmost placement, unchanged base first): chr13-32339493-ATTAT-A. GRCh37 (hg19) VCF-style: chr13-32913630-ATTAT-A.
Other names: 5369del4; 5369delATTT; 5369_5372delATTT; c.5141_5144delATTT (NM_000059.3).
Identifiers: ClinVar variation 51778 (VCV000051778.17), dbSNP rs80359487, ClinGen allele CA021372.